The following is an entry in ClinVar:

ClinVar aggregate classification (germline): Pathogenic (1 of 4 stars; one submission).

Conditions:
Achondrogenesis, type IA (ACG1A). Identifiers: Orphanet 932, Orphanet 93299, MedGen C0265273, MONDO:0008701, OMIM 200600.

Submission:

Foundation for Research in Genetics and Endocrinology, FRIGE's Institute of Human Genetics
Classification: Pathogenic for Achondrogenesis, type IA. Last evaluated: 2022-09-27. Review status: criteria provided, single submitter. Criteria: ACMG Guidelines, 2015. Collection method: clinical testing. Allele origin: germline. Inheritance: Autosomal recessive inheritance. Affected: yes. Observed: 1 heterozygote.
Comment: A Heterozygous frameshift variation in exon 4 of the TRIP11 gene . The observed variant has not been reported in the 1000 genomes and gnomAD databases. The in silico prediction of the variant are possibly damaging by MutationTaster2. The reference codon is conserved across species. In summary, the variant meets our criteria to be classified as pathogenic.

NM_004239.4(TRIP11):c.581_582insA (p.Ala195fs)

Gene: TRIP11 (thyroid hormone receptor interactor 11; minus strand). Cytogenetic location: 14q32.12.
Variant type: Insertion.
Coding change: c.581_582insA on transcript NM_004239.4 (MANE Select); coding-DNA positions 581 to 582, A inserted.
Protein change: p.Ala195fs; shifts the reading frame from alanine 195.
Molecular consequence: frameshift variant.
Genome position: GRCh38 VCF-style: chr14-92021562-A-AT. GRCh37 (hg19) VCF-style: chr14-92487906-A-AT.
Other names: p.Ala195CysfsTer11; c.578_579insA, p.Ala194fs (NM_001321851.1); short protein forms A194fs, A195fs.
Identifiers: ClinVar variation 1727207 (VCV001727207.3), dbSNP rs2543078313, ClinGen allele CA2580088924.